The following is an entry in ClinVar:

ClinVar aggregate classification (germline): Conflicting classifications of pathogenicity. Review status: criteria provided, conflicting classifications (1 of 4 stars). 3 submissions from 3 submitters: Likely pathogenic (1); Uncertain significance (1); Likely benign (1). Last evaluated 2025-04-01.

Conditions:
Singleton-Merten syndrome 1 (SGMRT1). Also called: Widened medullary cavities of bone, aortic calcification, abnormal dentition, and muscular weakness; Syndrome of widened medullary cavities of the metacarpals and phalanges, aortic calcification and abnormal dentition. Identifiers: Orphanet 85191, MedGen C4225427, MONDO:0024535, OMIM 182250.
Aicardi-Goutieres syndrome 7 (AGS7). Identifiers: Orphanet 51, MedGen C3888244, MONDO:0014367, OMIM 615846.

Allele frequency attached by ClinVar (database versions not stated): gnomAD 0.00001; gnomAD exomes 0.00001; ExAC 0.00002; TOPMed 0.00002.

Submissions (3):

Mayo Clinic Laboratories, Mayo Clinic
Classification: Likely pathogenic. Last evaluated: 2025-04-01. Review status: criteria provided, single submitter. Criteria: ACMG Guidelines, 2015. Collection method: clinical testing. Allele origin: germline. Observed: 1 variant allele.
Comment: PM2_supporting, PVS1

Labcorp Genetics (formerly Invitae), Labcorp
Classification: Likely benign for Aicardi-Goutieres syndrome 7; Singleton-Merten syndrome 1. Last evaluated: 2023-05-23. Review status: criteria provided, single submitter. Criteria: Invitae Variant Classification Sherloc (09022015). Collection method: clinical testing. Allele origin: germline.

GeneDx
Classification: Uncertain significance. Last evaluated: 2022-12-14. Review status: criteria provided, single submitter. Criteria: GeneDx Variant Classification Process June 2021. Collection method: clinical testing. Allele origin: germline. Affected: yes.
Comment: Not observed at significant frequency in large population cohorts (gnomAD); Frameshift variant predicted to result in protein truncation or nonsense mediated decay in a gene for which loss-of-function is not a known mechanism of disease; Has not been previously published as pathogenic or benign to our knowledge

NM_022168.4(IFIH1):c.1795del (p.Val599fs)

Gene: IFIH1 (interferon induced with helicase C domain 1; minus strand). Cytogenetic location: 2q24.2.
Variant type: Deletion.
Coding change: c.1795del on transcript NM_022168.4 (MANE Select); coding-DNA position 1795, one base deleted (G; older notation c.1795delG).
Protein change: p.Val599fs; shifts the reading frame from valine 599.
Molecular consequence: frameshift variant.
Genome position (GRCh38, 1-based): chr2:162,277,664, C deleted on the plus strand (G on the coding strand, the reverse complement: IFIH1 is on the minus strand). VCF-style (leftmost placement, unchanged base first): chr2-162277663-AC-A. GRCh37 (hg19) VCF-style: chr2-163134173-AC-A.
Other names: p.Val599Phefs*6; short protein forms V599fs.
Identifiers: ClinVar variation 2505998 (VCV002505998.5), dbSNP rs773795297, ClinGen allele CA1934385.
Genomic context (GRCh38, chr2:162,277,663, plus strand): 5'-ATTCGAATTGTGTCATTAATTTGTAGGGCCTCATTGTACTTCCTCAAATGTTCTGCACAA[AC>A]ACGTTCTTTGCGATTTCCTTCTTTTGCAGCTGTGAAAAAATATATTATGTAAGTGAAATA-3'